The following is an entry in ClinVar:

NM_003803.4(MYOM1):c.2578C>A (p.Arg860Ser)

Gene: MYOM1 (myomesin 1; minus strand). Cytogenetic location: 18p11.31.
Variant type: single nucleotide variant.
Coding change: c.2578C>A on transcript NM_003803.4 (MANE Select); coding-DNA position 2578, C replaced by A.
Protein change: p.Arg860Ser; replaces arginine 860 with serine.
Molecular consequence: missense variant. On other transcripts: intron variant (1).
Genome position (GRCh38, 1-based): chr18:3,129,448, G>T on the plus strand (C>A on the coding strand, the complement: MYOM1 is on the minus strand). VCF-style: chr18-3129448-G-T. GRCh37 (hg19) VCF-style: chr18-3129446-G-T.
Other names: c.2506+1927C>A (NM_019856.2); short protein forms R860S.
Identifiers: ClinVar variation 3401857 (VCV003401857.3).
Genomic context (GRCh38, chr18:3,129,448, plus strand): 5'-TAGGTTTGCTGCCAAGCAAAGCATCTTTCTGGAAGGTTGGCGGGGAGGCTTCATGCACGC[G>T]CCCCCTGGAGGCGGTTAGTCCACCAGGCTCATCGCTCAGTGCGGGACACACATCTGGAGA-3'
Protein context (NP_003794.3, residues 850-870): EPGGLTASRG[Arg860Ser]VHEASPPTFQ

ClinVar aggregate classification (germline): Uncertain significance. Review status: criteria provided, multiple submitters, no conflicts (2 of 4 stars). 2 submissions from 2 submitters: Uncertain significance (2). Last evaluated 2024-10-08.

Conditions:
Hypertrophic cardiomyopathy. Also called: HYPERTROPHIC MYOCARDIOPATHY. Identifiers: Orphanet 217569, MedGen C0007194, MeSH D002312, MONDO:0005045, HP:0001639.

gnomAD v4.1: 4 of 1,613,904 alleles (0.00025%); highest among the groups gnomAD compares: Non-Finnish European, 0.00034%; no homozygotes.

Submissions (2):

Ambry Genetics
Classification: Uncertain significance. Last evaluated: 2024-10-08. Review status: criteria provided, single submitter. Criteria: Ambry Variant Classification Scheme 2023. Collection method: clinical testing. Allele origin: germline.
Comment: The p.R860S variant (also known as c.2578C>A), located in coding exon 17 of the MYOM1 gene, results from a C to A substitution at nucleotide position 2578. The arginine at codon 860 is replaced by serine, an amino acid with dissimilar properties. This amino acid position is conserved. In addition, this alteration is predicted to be tolerated by in silico analysis. Based on the available evidence, the clinical significance of this variant remains unclear.

Labcorp Genetics (formerly Invitae), Labcorp
Classification: Uncertain significance for Hypertrophic cardiomyopathy. Last evaluated: 2024-08-06. Review status: criteria provided, single submitter. Criteria: Invitae Variant Classification Sherloc (09022015). Collection method: clinical testing. Allele origin: germline.
Comment: This sequence change replaces arginine, which is basic and polar, with serine, which is neutral and polar, at codon 860 of the MYOM1 protein (p.Arg860Ser). This variant is present in population databases (no rsID available, gnomAD 0.0009%). This variant has not been reported in the literature in individuals affected with MYOM1-related conditions. An algorithm developed to predict the effect of missense changes on protein structure and function (PolyPhen-2) suggests that this variant is likely to be tolerated. In summary, the available evidence is currently insufficient to determine the role of this variant in disease. Therefore, it has been classified as a Variant of Uncertain Significance.